The following is an entry in ClinVar:

NM_181332.3(NLGN4X):c.1877G>A (p.Arg626Gln)

Gene: NLGN4X (neuroligin 4 X-linked; minus strand). Cytogenetic location: Xp22.32.
Variant type: single nucleotide variant.
Coding change: c.1877G>A on transcript NM_181332.3 (MANE Select); coding-DNA position 1877, G replaced by A.
Protein change: p.Arg626Gln; replaces arginine 626 with glutamine.
Molecular consequence: missense variant.
Genome position (GRCh38, 1-based): chrX:5,893,391, C>T on the plus strand (G>A on the coding strand, the complement: NLGN4X is on the minus strand). VCF-style: chrX-5893391-C-T. GRCh37 (hg19) VCF-style: chrX-5811432-C-T.
Other names: c.1877G>A, p.Arg626Gln (NM_001282145.2, NM_001282146.2, NM_020742.4); c.1877G>A (NM_020742.2); short protein forms R626Q.
Identifiers: ClinVar variation 1299168 (VCV001299168.35), dbSNP rs1291813149, ClinGen allele CA412013484.

ClinVar aggregate classification (germline): Uncertain significance. Review status: criteria provided, multiple submitters, no conflicts (2 of 4 stars). 2 submissions from 2 submitters: Uncertain significance (2). Last evaluated 2023-10-27.

Allele frequency attached by ClinVar (database versions not stated): gnomAD exomes 0.00001; TOPMed 0.00001; gnomAD 0.00003.
gnomAD v4.1: 7 of 1,207,505 alleles (0.00058%); highest among the groups gnomAD compares: African/African-American, 0.0036%; no homozygotes.

Submissions (2):

GeneDx
Classification: Uncertain significance. Last evaluated: 2023-10-27. Review status: criteria provided, single submitter. Criteria: GeneDx Variant Classification Process June 2021. Collection method: clinical testing. Allele origin: germline. Affected: yes.
Comment: In silico analysis supports that this missense variant does not alter protein structure/function; Has not been previously published as pathogenic or benign to our knowledge

CeGaT Center for Human Genetics Tuebingen
Classification: Uncertain significance. Last evaluated: 2021-07-01. Review status: criteria provided, single submitter. Criteria: CeGaT Center For Human Genetics Tuebingen Variant Classification Criteria Version 2. Collection method: clinical testing. Allele origin: germline. Affected: yes. Observed: 1 variant allele.